The following is an entry in ClinVar:

NM_000075.4(CDK4):c.764G>C (p.Arg255Pro)

Genes: CDK4 (cyclin dependent kinase 4; minus strand), TSPAN31 (tetraspanin 31; plus strand). Cytogenetic location: 12q14.1.
Variant type: single nucleotide variant.
Coding change: c.764G>C on transcript NM_000075.4 (MANE Select); coding-DNA position 764, G replaced by C.
Protein change: p.Arg255Pro; replaces arginine 255 with proline.
Molecular consequence: missense variant. On other transcripts: 3 prime UTR variant (3).
Genome position (GRCh38, 1-based): chr12:57,749,237, C>G on the plus strand (G>C on the coding strand, the complement: CDK4 is on the minus strand). VCF-style: chr12-57749237-C-G. GRCh37 (hg19) VCF-style: chr12-58143020-C-G.
Other names: c.*1947C>G (NM_001330168.2, NM_001330169.2, NM_005981.5); short protein forms R255P.
Identifiers: ClinVar variation 4808888 (VCV004808888.1).

ClinVar aggregate classification (germline): Uncertain significance (1 of 4 stars; one submission).

Conditions:
Familial melanoma. Also called: Hereditary melanoma; Hereditary cutaneous melanoma. Identifiers: Orphanet 618, MedGen C1512419, MONDO:0018961.

Submission:

Labcorp Genetics (formerly Invitae), Labcorp
Classification: Uncertain significance for Familial melanoma. Last evaluated: 2025-04-02. Review status: criteria provided, single submitter. Criteria: Invitae Variant Classification Sherloc (09022015). Collection method: clinical testing. Allele origin: germline.
Comment: This sequence change replaces arginine, which is basic and polar, with proline, which is neutral and non-polar, at codon 255 of the CDK4 protein (p.Arg255Pro). This variant is not present in population databases (gnomAD no frequency). This variant has not been reported in the literature in individuals affected with CDK4-related conditions. Invitae Evidence Modeling of protein sequence and biophysical properties (such as structural, functional, and spatial information, amino acid conservation, physicochemical variation, residue mobility, and thermodynamic stability) indicates that this missense variant is not expected to disrupt CDK4 protein function with a negative predictive value of 95%. In summary, the available evidence is currently insufficient to determine the role of this variant in disease. Therefore, it has been classified as a Variant of Uncertain Significance.